The following is an entry in ClinVar:

NM_031892.3(SH3KBP1):c.61A>G (p.Ser21Gly)

Gene: SH3KBP1 (SH3 domain containing kinase binding protein 1; minus strand). Cytogenetic location: Xp22.12.
Variant type: single nucleotide variant.
Coding change: c.61A>G on transcript NM_031892.3 (MANE Select); coding-DNA position 61, A replaced by G.
Protein change: p.Ser21Gly; replaces serine 21 with glycine.
Molecular consequence: missense variant.
Genome position (GRCh38, 1-based): chrX:19,836,226, T>C on the plus strand (A>G on the coding strand, the complement: SH3KBP1 is on the minus strand). VCF-style: chrX-19836226-T-C. GRCh37 (hg19) VCF-style: chrX-19854344-T-C.
Other names: c.61A>G, p.Ser21Gly (NM_001353890.2, NM_001353891.2, NM_001353892.2 and 2 more transcripts); short protein forms S21G.
Identifiers: ClinVar variation 4751372 (VCV004751372.1).
Genomic context (GRCh38, chrX:19,836,226, plus strand): 5'-TCTGTCCCTCCCACCAGCCTCCATCCTCCTTCCTGATGTTGGTGATGATTTCACCCACGC[T>C]GATCGTCAGCTCATCATCGTGCTGGGCCTGGTAGTCAAACTCCACTATGGCCTCCACTGG-3'
Protein context (NP_114098.1, residues 11-31): QAQHDDELTI[Ser21Gly]VGEIITNIRK

ClinVar aggregate classification (germline): Uncertain significance (1 of 4 stars; one submission).

gnomAD v4.1: 8 of 1,208,463 alleles (0.00066%); highest among the groups gnomAD compares: African/African-American, 0.014%; no homozygotes.

Submission:

Labcorp Genetics (formerly Invitae), Labcorp
Classification: Uncertain significance. Last evaluated: 2025-03-05. Review status: criteria provided, single submitter. Criteria: Invitae Variant Classification Sherloc (09022015). Collection method: clinical testing. Allele origin: germline.
Comment: This sequence change replaces serine, which is neutral and polar, with glycine, which is neutral and non-polar, at codon 21 of the SH3KBP1 protein (p.Ser21Gly). This variant is present in population databases (rs143666089, gnomAD 0.03%). This variant has not been reported in the literature in individuals affected with SH3KBP1-related conditions. Invitae Evidence Modeling of protein sequence and biophysical properties (such as structural, functional, and spatial information, amino acid conservation, physicochemical variation, residue mobility, and thermodynamic stability) indicates that this missense variant is not expected to disrupt SH3KBP1 protein function with a negative predictive value of 80%. In summary, the available evidence is currently insufficient to determine the role of this variant in disease. Therefore, it has been classified as a Variant of Uncertain Significance.